The following is an entry in ClinVar:

ClinVar aggregate classification (germline): Uncertain significance (1 of 4 stars; one submission).

Conditions:
A2ML1-related disorder. Also called: A2ML1-related condition.

gnomAD v4.1: 10 of 1,614,116 alleles (0.00062%); highest among the groups gnomAD compares: African/African-American, 0.011%; no homozygotes.

Submission:

PreventionGenetics, part of Exact Sciences
Classification: Uncertain significance for A2ML1-related condition. Last evaluated: 2025-12-23. Review status: criteria provided, single submitter. Criteria: ACMG Guidelines, 2015. Collection method: clinical testing. Allele origin: germline.
Comment: The A2ML1 c.3552C>G variant is predicted to result in the amino acid substitution p.Ser1184Arg. To our knowledge, this variant has not been reported in the literature. This variant is reported in 0.0065% of alleles in individuals of African descent in gnomAD. At this time, the clinical significance of this variant is uncertain due to the absence of conclusive functional and genetic evidence.

NM_144670.6(A2ML1):c.3552C>G (p.Ser1184Arg)

Gene: A2ML1 (alpha-2-macroglobulin like 1; plus strand). Cytogenetic location: 12p13.31.
Variant type: single nucleotide variant.
Coding change: c.3552C>G on transcript NM_144670.6 (MANE Select); coding-DNA position 3552, C replaced by G.
Protein change: p.Ser1184Arg; replaces serine 1184 with arginine.
Molecular consequence: missense variant.
Genome position (GRCh38, 1-based): chr12:8,863,843, C>G. VCF-style: chr12-8863843-C-G. GRCh37 (hg19) VCF-style: chr12-9016439-C-G.
Other names: c.2079C>G, p.Ser693Arg (NM_001282424.3); short protein forms S693R, S1184R.
Identifiers: ClinVar variation 4988979 (VCV004988979.1).